The following is an entry in ClinVar:

NM_002734.5(PRKAR1A):c.758T>C (p.Val253Ala)

Gene: PRKAR1A (protein kinase cAMP-dependent type I regulatory subunit alpha; plus strand). Cytogenetic location: 17q24.2.
Variant type: single nucleotide variant.
Coding change: c.758T>C on transcript NM_002734.5 (MANE Select); coding-DNA position 758, T replaced by C.
Protein change: p.Val253Ala; replaces valine 253 with alanine.
Molecular consequence: missense variant.
Genome position (GRCh38, 1-based): chr17:68,527,889, T>C. VCF-style: chr17-68527889-T-C. GRCh37 (hg19) VCF-style: chr17-66524030-T-C.
Other names: c.758T>C, p.Val253Ala (NM_001276289.2, NM_001276290.1, NM_001278433.2 and 4 more transcripts); short protein forms V253A.
Identifiers: ClinVar variation 1413356 (VCV001413356.6), dbSNP rs1431068317, ClinGen allele CA400753574.

ClinVar aggregate classification (germline): Uncertain significance (1 of 4 stars; one submission).

Conditions:
Carney complex, type 1 (CNC1). Also called: CARNEY COMPLEX, TYPE I; CARNEY MYXOMA-ENDOCRINE COMPLEX. Identifiers: Orphanet 1359, MedGen C2607929, MONDO:0008057, OMIM 160980.

Allele frequency attached by ClinVar (database versions not stated): gnomAD exomes below 0.00001.
gnomAD v4.1: 1 of 1,611,494 alleles (0.000062%); highest among the groups gnomAD compares: African/African-American, 0.0013%; no homozygotes.

Submission:

Labcorp Genetics (formerly Invitae), Labcorp
Classification: Uncertain significance for Carney complex, type 1. Last evaluated: 2021-08-26. Review status: criteria provided, single submitter. Criteria: Invitae Variant Classification Sherloc (09022015). Collection method: clinical testing. Allele origin: germline.
Comment: In summary, the available evidence is currently insufficient to determine the role of this variant in disease. Therefore, it has been classified as a Variant of Uncertain Significance. Algorithms developed to predict the effect of missense changes on protein structure and function (SIFT, PolyPhen-2, Align-GVGD) all suggest that this variant is likely to be disruptive. This variant has not been reported in the literature in individuals affected with PRKAR1A-related conditions. This variant is not present in population databases (ExAC no frequency). This sequence change replaces valine with alanine at codon 253 of the PRKAR1A protein (p.Val253Ala). The valine residue is highly conserved and there is a small physicochemical difference between valine and alanine.